The following is an entry in ClinVar:

NM_000387.6(SLC25A20):c.364G>A (p.Val122Ile)

Gene: SLC25A20 (solute carrier family 25 member 20; minus strand). Cytogenetic location: 3p21.31.
Variant type: single nucleotide variant.
Coding change: c.364G>A on transcript NM_000387.6 (MANE Select); coding-DNA position 364, G replaced by A.
Protein change: p.Val122Ile; replaces valine 122 with isoleucine.
Molecular consequence: missense variant.
Genome position (GRCh38, 1-based): chr3:48,879,411, C>T on the plus strand (G>A on the coding strand, the complement: SLC25A20 is on the minus strand). VCF-style: chr3-48879411-C-T. GRCh37 (hg19) VCF-style: chr3-48916844-C-T.
Other names: short protein forms V122I.
Identifiers: ClinVar variation 861982 (VCV000861982.5), dbSNP rs150419695, ClinGen allele CA2387410.

ClinVar aggregate classification (germline): Uncertain significance. Review status: criteria provided, multiple submitters, no conflicts (2 of 4 stars). 2 submissions from 2 submitters: Uncertain significance (2). Last evaluated 2022-10-04.

Conditions:
Inborn genetic diseases. Identifiers: MedGen C0950123, MeSH D030342.
Carnitine acylcarnitine translocase deficiency (CACTD). Identifiers: Orphanet 159, MedGen C0342791, MONDO:0008918, OMIM 212138.

Allele frequency attached by ClinVar (database versions not stated): 1000 Genomes Project 0.00020; TOPMed 0.00022; ESP Exome Variant Server 0.00023; 1000 Genomes Project 30x 0.00031.
gnomAD v4.1: 513 of 1,613,892 alleles (0.032%); highest among the groups gnomAD compares: Non-Finnish European, 0.041%; 1 homozygote.

Submissions (2):

Labcorp Genetics (formerly Invitae), Labcorp
Classification: Uncertain significance for Carnitine acylcarnitine translocase deficiency. Last evaluated: 2022-10-04. Review status: criteria provided, single submitter. Criteria: Invitae Variant Classification Sherloc (09022015). Collection method: clinical testing. Allele origin: germline.
Comment: This sequence change replaces valine, which is neutral and non-polar, with isoleucine, which is neutral and non-polar, at codon 122 of the SLC25A20 protein (p.Val122Ile). This variant is present in population databases (rs150419695, gnomAD 0.05%). This variant has not been reported in the literature in individuals affected with SLC25A20-related conditions. ClinVar contains an entry for this variant (Variation ID: 861982). Advanced modeling of protein sequence and biophysical properties (such as structural, functional, and spatial information, amino acid conservation, physicochemical variation, residue mobility, and thermodynamic stability) performed at Invitae indicates that this missense variant is not expected to disrupt SLC25A20 protein function. In summary, the available evidence is currently insufficient to determine the role of this variant in disease. Therefore, it has been classified as a Variant of Uncertain Significance.

Ambry Genetics
Classification: Uncertain significance for Inborn genetic diseases. Last evaluated: 2021-06-11. Review status: criteria provided, single submitter. Criteria: Ambry Variant Classification Scheme 2023. Collection method: clinical testing. Allele origin: germline.